The following is an entry in ClinVar:

ClinVar aggregate classification (germline): Pathogenic (1 of 4 stars; one submission).

Submission:

Labcorp Genetics (formerly Invitae), Labcorp
Classification: Pathogenic. Last evaluated: 2022-05-15. Review status: criteria provided, single submitter. Criteria: Invitae Variant Classification Sherloc (09022015). Collection method: clinical testing. Allele origin: germline.
Comment: This variant is not present in population databases (gnomAD no frequency). This sequence change creates a premature translational stop signal (p.Gln1662*) in the ITPR1 gene. It is expected to result in an absent or disrupted protein product. Loss-of-function variants in ITPR1 are known to be pathogenic (PMID: 27108797). This variant has not been reported in the literature in individuals affected with ITPR1-related conditions. For these reasons, this variant has been classified as Pathogenic.

Literature cited by the submitters: PubMed 27108797.

NM_001378452.1(ITPR1):c.5056C>T (p.Gln1686Ter)

Genes: BRRIAR (BHLHE40 and RIG-I regulating ITPR1 antisense RNA; minus strand), ITPR1 (inositol 1,4,5-trisphosphate receptor type 1; plus strand). Cytogenetic location: 3p26.1.
Variant type: single nucleotide variant.
Coding change: c.5056C>T on transcript NM_001378452.1 (MANE Select); coding-DNA position 5056, C replaced by T.
Protein change: p.Gln1686Ter; replaces glutamine 1686 with a stop codon.
Molecular consequence: nonsense.
Genome position (GRCh38, 1-based): chr3:4,711,821, C>T. VCF-style: chr3-4711821-C-T. GRCh37 (hg19) VCF-style: chr3-4753505-C-T.
Other names: c.5029C>T, p.Gln1677Ter (NM_001099952.4); c.5011C>T, p.Gln1671Ter (NM_001168272.2); c.4984C>T, p.Gln1662Ter (NM_002222.7); short protein forms Q1677*, Q1686*, Q1662*, Q1671*.
Identifiers: ClinVar variation 2110209 (VCV002110209.4), dbSNP rs2469884530, ClinGen allele CA351636680.